The following is an entry in ClinVar:

ClinVar aggregate classification (germline): Conflicting classifications of pathogenicity. Review status: criteria provided, conflicting classifications (1 of 4 stars). 2 submissions from 2 submitters: Uncertain significance (1); Likely benign (1). Last evaluated 2023-03-23.

Conditions:
Hereditary cancer-predisposing syndrome. Also called: Tumor predisposition; Hereditary Cancer Syndrome; Neoplastic Syndromes, Hereditary; Hereditary neoplastic syndrome. Identifiers: Orphanet 140162, MedGen C0027672, MeSH D009386, MONDO:0015356.

Submissions (2):

University of Washington Department of Laboratory Medicine, University of Washington
Classification: Likely benign for Hereditary cancer-predisposing syndrome. Last evaluated: 2023-03-23. Review status: criteria provided, single submitter. Criteria: Dines et al. (Genet Med. 2020). Collection method: curation. Allele origin: germline.
Comment: Missense variant in a coldspot region where missense variants are very unlikely to be pathogenic (PMID:31911673).

BRCA1 coldspot (exon 11 using historical exon numbering). Reclassification based on statistical prior probability

Ambry Genetics
Classification: Uncertain significance for Hereditary cancer-predisposing syndrome. Last evaluated: 2021-10-27. Review status: criteria provided, single submitter. Criteria: Ambry Variant Classification Scheme 2023. Collection method: clinical testing. Allele origin: germline.
Comment: The p.Q934E variant (also known as c.2800C>G), located in coding exon 9 of the BRCA1 gene, results from a C to G substitution at nucleotide position 2800. The glutamine at codon 934 is replaced by glutamic acid, an amino acid with highly similar properties. This amino acid position is not well conserved in available vertebrate species. In addition, the in silico prediction for this alteration is inconclusive. Since supporting evidence is limited at this time, the clinical significance of this alteration remains unclear.

NM_007294.4(BRCA1):c.2800C>G (p.Gln934Glu)

Gene: BRCA1 (BRCA1 DNA repair associated; minus strand). Cytogenetic location: 17q21.31.
Variant type: single nucleotide variant.
Coding change: c.2800C>G on transcript NM_007294.4 (MANE Select); coding-DNA position 2800, C replaced by G.
Protein change: p.Gln934Glu; replaces glutamine 934 with glutamic acid.
Molecular consequence: missense variant. On other transcripts: intron variant (137).
Genome position (GRCh38, 1-based): chr17:43,092,731, G>C on the plus strand (C>G on the coding strand, the complement: BRCA1 is on the minus strand). VCF-style: chr17-43092731-G-C. GRCh37 (hg19) VCF-style: chr17-41244748-G-C.
Other names: c.2587C>G, p.Gln863Glu (NM_001407571.1, NM_001407853.1, NM_001407894.1 and 9 more transcripts); c.2800C>G, p.Gln934Glu (NM_001407581.1, NM_001407582.1, NM_001407583.1 and 30 more transcripts); c.2797C>G, p.Gln933Glu (NM_001407587.1, NM_001407590.1, NM_001407591.1 and 22 more transcripts); c.2791C>G, p.Gln931Glu (NM_001407646.1, NM_001407647.1); c.2677C>G, p.Gln893Glu (NM_001407648.1, NM_001407664.1, NM_001407665.1 and 19 more transcripts); c.2674C>G, p.Gln892Glu (NM_001407649.1, NM_001407670.1, NM_001407671.1 and 11 more transcripts); c.2722C>G, p.Gln908Glu (NM_001407653.1, NM_001407654.1, NM_001407655.1 and 4 more transcripts); c.2719C>G, p.Gln907Glu (NM_001407659.1, NM_001407660.1, NM_001407661.1 and 1 more transcripts); and 41 more; short protein forms Q806E, Q863E, Q766E, Q846E, Q892E, Q893E, Q931E, Q933E.
Identifiers: ClinVar variation 1796215 (VCV001796215.4), dbSNP rs80357223, ClinGen allele CA10596398.